The following is an entry in ClinVar:

NM_033305.3(VPS13A):c.2054G>T (p.Arg685Leu)

Gene: VPS13A (vacuolar protein sorting 13 homolog A; plus strand). Cytogenetic location: 9q21.2.
Variant type: single nucleotide variant.
Coding change: c.2054G>T on transcript NM_033305.3 (MANE Select); coding-DNA position 2054, G replaced by T.
Protein change: p.Arg685Leu; replaces arginine 685 with leucine.
Molecular consequence: missense variant.
Genome position (GRCh38, 1-based): chr9:77,250,113, G>T. VCF-style: chr9-77250113-G-T. GRCh37 (hg19) VCF-style: chr9-79865029-G-T.
Other names: c.2054G>T, p.Arg685Leu (NM_001018037.2, NM_001018038.3, NM_015186.4); short protein forms R685L.
Identifiers: ClinVar variation 2046129 (VCV002046129.4), dbSNP rs759444624, ClinGen allele CA5091848.

ClinVar aggregate classification (germline): Uncertain significance. Review status: criteria provided, multiple submitters, no conflicts (2 of 4 stars). 3 submissions from 3 submitters: Uncertain significance (3). Last evaluated 2024-07-31.

Conditions:
Inborn genetic diseases. Identifiers: MedGen C0950123, MeSH D030342.

gnomAD v4.1: 75 of 1,613,580 alleles (0.0046%); highest among the groups gnomAD compares: Non-Finnish European, 0.0061%; no homozygotes.

Submissions (3):

Ambry Genetics
Classification: Uncertain significance for Inborn genetic diseases. Last evaluated: 2024-07-31. Review status: criteria provided, single submitter. Criteria: Ambry Variant Classification Scheme 2023. Collection method: clinical testing. Allele origin: germline.

GeneDx
Classification: Uncertain significance. Last evaluated: 2022-12-01. Review status: criteria provided, single submitter. Criteria: GeneDx Variant Classification Process June 2021. Collection method: clinical testing. Allele origin: germline. Affected: yes.
Comment: Not observed at significant frequency in large population cohorts (gnomAD); In silico analysis supports that this missense variant has a deleterious effect on protein structure/function; In silico analysis supports a deleterious effect on splicing; Has not been previously published as pathogenic or benign to our knowledge

Labcorp Genetics (formerly Invitae), Labcorp
Classification: Uncertain significance. Last evaluated: 2021-09-01. Review status: criteria provided, single submitter. Criteria: Invitae Variant Classification Sherloc (09022015). Collection method: clinical testing. Allele origin: germline.
Comment: This sequence change replaces arginine with leucine at codon 685 of the VPS13A protein (p.Arg685Leu). The arginine residue is moderately conserved and there is a moderate physicochemical difference between arginine and leucine. This variant is present in population databases (rs759444624, ExAC 0.008%). This variant has not been reported in the literature in individuals affected with VPS13A-related conditions. Algorithms developed to predict the effect of missense changes on protein structure and function are either unavailable or do not agree on the potential impact of this missense change (SIFT: "Deleterious"; PolyPhen-2: "Possibly Damaging"; Align-GVGD: "Class C0"). In summary, the available evidence is currently insufficient to determine the role of this variant in disease. Therefore, it has been classified as a Variant of Uncertain Significance.